The following is an entry in ClinVar:

NM_015272.5(RPGRIP1L):c.2958+9T>A

Gene: RPGRIP1L (RPGRIP1 like; minus strand). Cytogenetic location: 16q12.2.
Variant type: single nucleotide variant.
Coding change: c.2958+9T>A on transcript NM_015272.5 (MANE Select); 9 bases into the intron after coding-DNA position 2958, T replaced by A.
Molecular consequence: intron variant.
Genome position (GRCh38, 1-based): chr16:53,641,024, A>T on the plus strand (T>A on the coding strand, the complement: RPGRIP1L is on the minus strand). VCF-style: chr16-53641024-A-T. GRCh37 (hg19) VCF-style: chr16-53674936-A-T.
Other names: c.2958+9T>A (NM_015272.4, NM_001127897.4, NM_001330538.2 and 1 more transcripts).
Identifiers: ClinVar variation 1086461 (VCV001086461.11), dbSNP rs920679699, ClinGen allele CA281371953.

ClinVar aggregate classification (germline): Likely benign. Review status: criteria provided, single submitter (1 of 4 stars). 2 submissions from 2 submitters: Likely benign (1). 1 of the submissions does not count toward it. Last evaluated 2024-10-02.

Conditions:
Meckel-Gruber syndrome. Also called: Dysencephalia splachnocystica; GRUBER SYNDROME; DYSENCEPHALIA SPLANCHNOCYSTICA. Identifiers: Orphanet 564, MedGen C0265215, MONDO:0018921.
Joubert syndrome. Also called: Familial aplasia of the vermis; JOUBERT-BOLTSHAUSER SYNDROME. Identifiers: Orphanet 475, MedGen C5979921, MONDO:0018772.
RPGRIP1L-related disorder. Also called: RPGRIP1L-related condition; RPGRIP1L-related disorders. Identifiers: MedGen CN239416.

Allele frequency attached by ClinVar (database versions not stated): gnomAD exomes 0.00002 and below 0.00001; TOPMed 0.00002.
gnomAD v4.1: 5 of 1,579,628 alleles (0.00032%); highest among the groups gnomAD compares: Admixed American, 0.0067%; no homozygotes.

Submissions (2):

Labcorp Genetics (formerly Invitae), Labcorp
Classification: Likely benign for Joubert syndrome; Meckel-Gruber syndrome. Last evaluated: 2024-10-02. Review status: criteria provided, single submitter. Criteria: Invitae Variant Classification Sherloc (09022015). Collection method: clinical testing. Allele origin: germline.

PreventionGenetics, part of Exact Sciences
Classification: Likely benign for RPGRIP1L-related condition. Last evaluated: 2021-10-15. Review status: no assertion criteria provided. Collection method: clinical testing. Allele origin: germline. Not counted in ClinVar's aggregate classification.
Comment: This variant is classified as likely benign based on ACMG/AMP sequence variant interpretation guidelines (Richards et al. 2015 PMID: 25741868, with internal and published modifications).